The following is an entry in ClinVar:

NM_001278716.2(FBXL4):c.520_527del (p.Ile174fs)

Gene: FBXL4 (F-box and leucine rich repeat protein 4; minus strand). Cytogenetic location: 6q16.2.
Variant type: Deletion.
Coding change: c.520_527del on transcript NM_001278716.2 (MANE Select); coding-DNA positions 520 to 527, 8 bases deleted (ATTCTTTG; older notation c.520_527delATTCTTTG).
Protein change: p.Ile174fs; shifts the reading frame from isoleucine 174.
Molecular consequence: frameshift variant.
Genome position (GRCh38, 1-based): chr6:98,917,705-98,917,712, CAAAGAAT deleted on the plus strand (ATTCTTTG on the coding strand, the reverse complement: FBXL4 is on the minus strand); deleting any 8 consecutive bases within chr6:98,917,705-98,917,713 gives the same sequence; the c. name uses the placement nearest the transcript's 3' end. VCF-style (leftmost placement, unchanged base first): chr6-98917704-CCAAAGAAT-C. GRCh37 (hg19) VCF-style: chr6-99365580-CCAAAGAAT-C.
Other names: c.520_527del, p.Ile174fs (NM_012160.5); short protein forms I174fs.
Identifiers: ClinVar variation 3662601 (VCV003662601.2).

ClinVar aggregate classification (germline): Pathogenic (1 of 4 stars; one submission).

Submission:

Labcorp Genetics (formerly Invitae), Labcorp
Classification: Pathogenic. Last evaluated: 2024-08-15. Review status: criteria provided, single submitter. Criteria: Invitae Variant Classification Sherloc (09022015). Collection method: clinical testing. Allele origin: germline.
Comment: This sequence change creates a premature translational stop signal (p.Ile174Valfs*16) in the FBXL4 gene. It is expected to result in an absent or disrupted protein product. Loss-of-function variants in FBXL4 are known to be pathogenic (PMID: 23993193, 23993194, 25868664). This variant is not present in population databases (gnomAD no frequency). This variant has not been reported in the literature in individuals affected with FBXL4-related conditions. For these reasons, this variant has been classified as Pathogenic.

Literature cited by the submitters: PubMed 23993193; PubMed 23993194; PubMed 25868664.